The following is an entry in ClinVar:

ClinVar aggregate classification (germline): Conflicting classifications of pathogenicity. Review status: criteria provided, conflicting classifications (1 of 4 stars). 4 submissions from 4 submitters: Pathogenic (1); Likely pathogenic (2); Uncertain significance (1). Last evaluated 2025-06-25.

Conditions:
ALDH3A2-related disorder. Also called: ALDH3A2-related condition.
Sjögren-Larsson syndrome (SLS). Also called: FALDH DEFICIENCY; FATTY ALCOHOL:NAD+ OXIDOREDUCTASE DEFICIENCY; FATTY ALDEHYDE DEHYDROGENASE DEFICIENCY; ICHTHYOSIS, SPASTIC NEUROLOGIC DISORDER, AND OLIGOPHRENIA. Identifiers: Orphanet 816, MedGen C0037231, MONDO:0010031, OMIM 270200.

Allele frequency attached by ClinVar (database versions not stated): gnomAD 0.00001; gnomAD exomes 0.00001; 1000 Genomes Project 30x 0.00016; 1000 Genomes Project 0.00020.
gnomAD v4.1: 11 of 1,614,228 alleles (0.00068%); highest among the groups gnomAD compares: East Asian, 0.025%; no homozygotes.

Submissions (4):

Women's Health and Genetics/Laboratory Corporation of America, LabCorp
Classification: Pathogenic for Sjögren-Larsson syndrome. Last evaluated: 2025-06-25. Review status: criteria provided, single submitter. Criteria: LabCorp Variant Classification Summary - May 2015. Collection method: clinical testing. Allele origin: germline.
Comment: Variant summary: ALDH3A2 c.1339A>G (p.Lys447Glu) results in a conservative amino acid change in the encoded protein sequence. Algorithms developed to predict the effect of missense changes on protein structure and function are either unavailable or do not agree on the potential impact of this missense change. The variant allele was found at a frequency of 4e-06 in 251486 control chromosomes (gnomAD). c.1339A>G has been observed in individuals affected with Sjogren-Larsson Syndrome (Rizzo_1999, Tachibana_2011, Arai_2022). These data indicate that the variant is likely to be associated with disease. At least one publication reports experimental evidence evaluating an impact on protein function. The most pronounced variant effect results in <10% of normal activity (Rizzo_1999). The following publications have been ascertained in the context of this evaluation (PMID: 35973883, 10577908, 21713441). ClinVar contains an entry for this variant (Variation ID: 2628757). Based on the evidence outlined above, the variant was classified as pathogenic.

Natera, Inc.
Classification: Likely pathogenic for Sjögren-Larsson syndrome. Last evaluated: 2024-10-25. Review status: criteria provided, single submitter. Criteria: Natera Variant Classification Schema (03/2026). Collection method: clinical testing. Allele origin: germline.
Comment: The c.1339A>G variant in ALDH3A2 is a missense variant predicted to cause substitution of lysine to glutamic acid at amino acid 447. This variant is rare in the general population with a frequency below the threshold expected for the associated phenotype(s). This variant has been observed in one or more individuals affected with the associated recessive disease, as either homozygous or compound heterozygous with a second variant (PMID: 10577908, 35973883). Functional studies show that this variant may disrupt protein function (PMID: 10577908). Computational prediction algorithms indicate this variant is likely to affect gene or protein function. Given the available evidence, this variant is classified as Likely Pathogenic.

Genomic Medicine Center of Excellence, King Faisal Specialist Hospital and Research Centre
Classification: Uncertain significance. Last evaluated: 2024-01-18. Review status: criteria provided, single submitter. Criteria: ACMG Guidelines, 2015. Collection method: research. Allele origin: germline.

PreventionGenetics, part of Exact Sciences
Classification: Likely pathogenic for ALDH3A2-related condition. Last evaluated: 2022-10-17. Review status: criteria provided, single submitter. Criteria: ACMG Guidelines, 2015. Collection method: clinical testing. Allele origin: germline.
Comment: The ALDH3A2 c.1339A>G variant is predicted to result in the amino acid substitution p.Lys447Glu. This variant has been reported in the homozygous and compound heterozygous states in patients with Sjogren-Larsson syndrome and was found to reduce enzymatic activity to ~1% of wild-type in an in vitro functional assay (Rizzo et al 1999. PubMed ID: 10577908; Tachibana et al. 2012. PubMed ID: 21713441; Arai et al. 2022. PubMed ID: 35973883). This variant is reported in 0.0054% of alleles in individuals of East Asian descent in gnomAD. This variant is interpreted as likely pathogenic.

Literature cited by the submitters: PubMed 10577908 (cited by Women's Health and Genetics/Laboratory Corporation of America, LabCorp and Natera, Inc.); PubMed 35973883 (cited by Women's Health and Genetics/Laboratory Corporation of America, LabCorp and Natera, Inc.); PubMed 21713441 (cited by Women's Health and Genetics/Laboratory Corporation of America, LabCorp).

NM_000382.3(ALDH3A2):c.1339A>G (p.Lys447Glu)

Gene: ALDH3A2 (aldehyde dehydrogenase 3 family member A2; plus strand). Cytogenetic location: 17p11.2.
Variant type: single nucleotide variant.
Coding change: c.1339A>G on transcript NM_000382.3 (MANE Select); coding-DNA position 1339, A replaced by G.
Protein change: p.Lys447Glu; replaces lysine 447 with glutamic acid.
Molecular consequence: missense variant. On other transcripts: intron variant (1).
Genome position (GRCh38, 1-based): chr17:19,671,852, A>G. VCF-style: chr17-19671852-A-G. GRCh37 (hg19) VCF-style: chr17-19575165-A-G.
Other names: c.1339A>G, p.Lys447Glu (NM_001031806.2, NM_001369136.1, NM_001369137.2 and 2 more transcripts); c.760A>G, p.Lys254Glu (NM_001369148.2); c.1208-3706A>G (NM_001369146.2); short protein forms K254E, K447E.
Identifiers: ClinVar variation 2628757 (VCV002628757.5), dbSNP rs67939114, ClinGen allele CA288556585.
Genomic context (GRCh38, chr17:19,671,852, plus strand): 5'-TTAAAAAGTTTAAAGAGAGAAGGTGCTAACAAACTCAGATATCCTCCCAACAGCCAGTCA[A>G]AGGTGGATTGGGGAAAATTTTTTCTCTTGAAACGGTTCAACAAAGAAAAACTCGGTCTCC-3'
Protein context (NP_000373.1, residues 437-457): KLRYPPNSQS[Lys447Glu]VDWGKFFLLK